The following is an entry in ClinVar:

NM_006767.4(LZTR1):c.1382C>A (p.Ala461Asp)

Gene: LZTR1 (leucine zipper like post translational regulator 1; plus strand). Cytogenetic location: 22q11.21.
Variant type: single nucleotide variant.
Coding change: c.1382C>A on transcript NM_006767.4 (MANE Select); coding-DNA position 1382, C replaced by A.
Protein change: p.Ala461Asp; replaces alanine 461 with aspartic acid.
Molecular consequence: missense variant.
Genome position (GRCh38, 1-based): chr22:20,993,952, C>A. VCF-style: chr22-20993952-C-A. GRCh37 (hg19) VCF-style: chr22-21348241-C-A.
Other names: short protein forms A461D.
Identifiers: ClinVar variation 549755 (VCV000549755.5), dbSNP rs1569156890, ClinGen allele CA410775100.

ClinVar aggregate classification (germline): Uncertain significance. Review status: criteria provided, multiple submitters, no conflicts (2 of 4 stars). 3 submissions from 3 submitters: Uncertain significance (3). Last evaluated 2023-03-16.

Conditions:
Cardiovascular phenotype. Identifiers: MedGen CN230736.
Hereditary cancer-predisposing syndrome. Also called: Hereditary neoplastic syndrome; Tumor predisposition; Neoplastic Syndromes, Hereditary; Hereditary Cancer Syndrome. Identifiers: Orphanet 140162, MedGen C0027672, MeSH D009386, MONDO:0015356.
Noonan syndrome 2 (NS2). Identifiers: Orphanet 648, MedGen C1854469, MONDO:0011531, OMIM 605275.

Submissions (3):

Ambry Genetics
Classification: Uncertain significance for Cardiovascular phenotype; Hereditary cancer-predisposing syndrome. Last evaluated: 2023-03-16. Review status: criteria provided, single submitter. Criteria: Ambry Variant Classification Scheme 2023. Collection method: clinical testing. Allele origin: germline.
Comment: The p.A461D variant (also known as c.1382C>A), located in coding exon 13 of the LZTR1 gene, results from a C to A substitution at nucleotide position 1382. The alanine at codon 461 is replaced by aspartic acid, an amino acid with dissimilar properties. This alteration was detected in trans with another LZTR1 missense alteration (c.1385T>C; p.I462T) in a patient with cardiac hypertrophy and a Noonan syndrome-like appearance (Pagnamenta AT et al. Clin Genet, 2019 Jun;95:693-703). This amino acid position is well conserved in available vertebrate species. In addition, this alteration is predicted to be deleterious by in silico analysis. Since supporting evidence is limited at this time, the clinical significance of this alteration remains unclear.

Blueprint Genetics
Classification: Uncertain significance. Last evaluated: 2023-02-28. Review status: criteria provided, single submitter. Criteria: ACMG Guidelines, 2015. Collection method: clinical testing. Allele origin: germline.

Clinical and Biomedical Sciences, University of Exeter
Classification: Uncertain significance for Noonan syndrome 2. Last evaluated: 2018-07-02. Review status: criteria provided, single submitter. Criteria: ACMG Guidelines, 2015. Collection method: research. Allele origin: maternal. Affected: yes. Observed: 1 variant allele.